The following is an entry in ClinVar:

ClinVar aggregate classification (germline): Uncertain significance. Review status: criteria provided, multiple submitters, no conflicts (2 of 4 stars). 2 submissions from 2 submitters: Uncertain significance (2). Last evaluated 2022-04-12.

Conditions:
Primary hyperoxaluria type 3. Also called: PH III. Identifiers: Orphanet 416, Orphanet 93600, MedGen C3150878, MONDO:0013327, OMIM 613616. Disease mechanism: loss of function.

Allele frequency attached by ClinVar (database versions not stated): gnomAD exomes 0.00001; ExAC 0.00003; 1000 Genomes Project 30x 0.00016; 1000 Genomes Project 0.00020.

Submissions (2):

Labcorp Genetics (formerly Invitae), Labcorp
Classification: Uncertain significance. Last evaluated: 2022-04-12. Review status: criteria provided, single submitter. Criteria: Invitae Variant Classification Sherloc (09022015). Collection method: clinical testing. Allele origin: germline.
Comment: This sequence change replaces cysteine, which is neutral and slightly polar, with glycine, which is neutral and non-polar, at codon 139 of the HOGA1 protein (p.Cys139Gly). This variant is present in population databases (rs574289283, gnomAD 0.01%). This variant has not been reported in the literature in individuals affected with HOGA1-related conditions. Advanced modeling of protein sequence and biophysical properties (such as structural, functional, and spatial information, amino acid conservation, physicochemical variation, residue mobility, and thermodynamic stability) performed at Invitae indicates that this missense variant is expected to disrupt HOGA1 protein function. In summary, the available evidence is currently insufficient to determine the role of this variant in disease. Therefore, it has been classified as a Variant of Uncertain Significance.

Neuberg Centre For Genomic Medicine, NCGM
Classification: Uncertain significance for Primary hyperoxaluria type 3. Review status: criteria provided, single submitter. Criteria: ACMG Guidelines, 2015. Collection method: clinical testing. Allele origin: germline. Inheritance: Autosomal recessive inheritance. Affected: yes.
Comment: The missense variant c.415T>Gp.Cys139Gly in the HOGA1 gene has not been reported previously as a pathogenic variant nor as a benign variant, to our knowledge. This variant is reported with the allele frequency 0.001% in the gnomAD Exomes and novel not in any individuals in 1000 Genomes. This variant has been reported to the ClinVar database as Uncertain Significance. However, no details are available for independent assessment. The amino acid Cysteine at position 139 is changed to a Glutamic Acid changing protein sequence and it might alter its composition and physico- chemical properties. The amino acid change p.Cys139Gly in HOGA1 is predicted as conserved by GERP++ and PhyloP across 100 vertebrates. For these reasons, this variant has been classified as Uncertain Significance.

NM_138413.4(HOGA1):c.415T>G (p.Cys139Gly)

Gene: HOGA1 (4-hydroxy-2-oxoglutarate aldolase 1; plus strand). Cytogenetic location: 10q24.2.
Variant type: single nucleotide variant.
Coding change: c.415T>G on transcript NM_138413.4 (MANE Select); coding-DNA position 415, T replaced by G.
Protein change: p.Cys139Gly; replaces cysteine 139 with glycine.
Molecular consequence: missense variant. On other transcripts: intron variant (1).
Genome position (GRCh38, 1-based): chr10:97,599,163, T>G. VCF-style: chr10-97599163-T-G. GRCh37 (hg19) VCF-style: chr10-99358920-T-G.
Other names: c.212-2694T>G (NM_001134670.2); short protein forms C139G.
Identifiers: ClinVar variation 2146603 (VCV002146603.2), dbSNP rs574289283, ClinGen allele CA5634096.